The following is an entry in ClinVar:

NM_001256789.3(CACNA1F):c.3781A>G (p.Thr1261Ala)

Gene: CACNA1F (calcium voltage-gated channel subunit alpha1 F; minus strand). Cytogenetic location: Xp11.23.
Variant type: single nucleotide variant.
Coding change: c.3781A>G on transcript NM_001256789.3 (MANE Select); coding-DNA position 3781, A replaced by G.
Protein change: p.Thr1261Ala; replaces threonine 1261 with alanine.
Molecular consequence: missense variant.
Genome position (GRCh38, 1-based): chrX:49,213,830, T>C on the plus strand (A>G on the coding strand, the complement: CACNA1F is on the minus strand). VCF-style: chrX-49213830-T-C. GRCh37 (hg19) VCF-style: chrX-49070290-T-C.
Other names: c.3619A>G, p.Thr1207Ala (NM_001256790.3); c.3814A>G, p.Thr1272Ala (NM_005183.4); short protein forms T1272A, T1207A, T1261A.
Identifiers: ClinVar variation 4739151 (VCV004739151.1).

ClinVar aggregate classification (germline): Uncertain significance (1 of 4 stars; one submission).

Submission:

Labcorp Genetics (formerly Invitae), Labcorp
Classification: Uncertain significance. Last evaluated: 2025-12-06. Review status: criteria provided, single submitter. Criteria: Invitae Variant Classification Sherloc (09022015). Collection method: clinical testing. Allele origin: germline.
Comment: This sequence change replaces threonine, which is neutral and polar, with alanine, which is neutral and non-polar, at codon 1272 of the CACNA1F protein (p.Thr1272Ala). This variant is present in population databases (no rsID available, gnomAD 0.001%). This variant has not been reported in the literature in individuals affected with CACNA1F-related conditions. Invitae Evidence Modeling of protein sequence and biophysical properties (such as structural, functional, and spatial information, amino acid conservation, physicochemical variation, residue mobility, and thermodynamic stability) indicates that this missense variant is not expected to disrupt CACNA1F protein function with a negative predictive value of 80%. In summary, the available evidence is currently insufficient to determine the role of this variant in disease. Therefore, it has been classified as a Variant of Uncertain Significance.